The following is an entry in ClinVar:

NM_025137.4(SPG11):c.5703del (p.His1902fs)

Gene: SPG11 (SPG11 vesicle trafficking associated, spatacsin; minus strand). Cytogenetic location: 15q21.1.
Variant type: Deletion.
Coding change: c.5703del on transcript NM_025137.4 (MANE Select); coding-DNA position 5703, one base deleted (T; older notation c.5703delT).
Protein change: p.His1902fs; shifts the reading frame from histidine 1902.
Molecular consequence: frameshift variant.
Genome position (GRCh38, 1-based): chr15:44,583,977, A deleted on the plus strand (T on the coding strand, the reverse complement: SPG11 is on the minus strand); the first of 4 consecutive A bases (chr15:44,583,977-44,583,980); deleting any one gives the same sequence. VCF-style (leftmost placement, unchanged base first): chr15-44583976-GA-G. GRCh37 (hg19) VCF-style: chr15-44876174-GA-G.
Other names: c.5703del, p.His1902fs (NM_001160227.2); c.5703del (NM_025137.3); short protein forms H1902fs.
Identifiers: ClinVar variation 41326 (VCV000041326.13), dbSNP rs312262769, ClinGen allele CA344357.
Genomic context (GRCh38, chr15:44,583,976, plus strand): 5'-CTTCCCCTGAGGCCAGTGCTCTGCAGTGCAATACCAAGGCGACATCTGGATTATAAAAAT[GA>G]AAATACCGGCATACTCTACTTGCTTCATGCACACAGCCATCATCCAGTAGGCGCCCAATC-3'

ClinVar aggregate classification (germline): Pathogenic. Review status: criteria provided, multiple submitters, no conflicts (2 of 4 stars). 3 submissions from 3 submitters: Pathogenic (2). 1 of the submissions does not count toward it. Last evaluated 2025-02-24.

Conditions:
Hereditary spastic paraplegia 11. Also called: SPASTIC PARAPLEGIA, AUTOSOMAL RECESSIVE, COMPLICATED, WITH THIN CORPUS CALLOSUM; SPASTIC PARAPLEGIA, AUTOSOMAL RECESSIVE, WITH MENTAL IMPAIRMENT AND THIN CORPUS CALLOSUM; Spastic paraplegia, mental retardation and thin corpus callosum; Spastic Paraplegia 11; Nakamura Osame syndrome; Autosomal recessive hereditary spastic paraplegia, mental impairment, and thin corpus callosum. Identifiers: Orphanet 2822, MedGen C1858479, MONDO:0011445, OMIM 604360.

Submissions (3):

GeneDx
Classification: Pathogenic. Last evaluated: 2025-02-24. Review status: criteria provided, single submitter. Criteria: GeneDx Variant Classification Process June 2021. Collection method: clinical testing. Allele origin: germline. Affected: yes.
Comment: Frameshift variant predicted to result in protein truncation or nonsense mediated decay in a gene for which loss of function is a known mechanism of disease; Not observed at significant frequency in large population cohorts (gnomAD); This variant is associated with the following publications: (PMID: 31589614, 18663179)

Labcorp Genetics (formerly Invitae), Labcorp
Classification: Pathogenic for Hereditary spastic paraplegia 11. Last evaluated: 2019-11-12. Review status: criteria provided, single submitter. Criteria: Invitae Variant Classification Sherloc (09022015). Collection method: clinical testing. Allele origin: germline.
Comment: For these reasons, this variant has been classified as Pathogenic. Loss-of-function variants in SPG11 are known to be pathogenic (PMID: 19105190, 20110243, 22154821, 26556829). This variant has been observed in individual(s) with hereditary spastic paraplegia (PMID: 18663179). It has also been observed to segregate with disease in related individuals. ClinVar contains an entry for this variant (Variation ID: 41326). This variant is not present in population databases (ExAC no frequency). This sequence change creates a premature translational stop signal (p.His1902Ilefs*49) in the SPG11 gene. It is expected to result in an absent or disrupted protein product.

GeneReviews
No classification provided. Condition: Hereditary spastic paraplegia 11. Review status: no classification provided. Collection method: literature only. Allele origin: unknown. Not counted in ClinVar's aggregate classification.

Literature cited by the submitters: PubMed 19105190 (cited by Labcorp Genetics (formerly Invitae), Labcorp); PubMed 20110243 (cited by Labcorp Genetics (formerly Invitae), Labcorp); PubMed 22154821 (cited by Labcorp Genetics (formerly Invitae), Labcorp); PubMed 26556829 (cited by Labcorp Genetics (formerly Invitae), Labcorp); PubMed 18663179 (cited by Labcorp Genetics (formerly Invitae), Labcorp and GeneReviews); PubMed 20301389 (cited by GeneReviews); NCBI Bookshelf NBK1210 (cited by GeneReviews).